The following is an entry in ClinVar:

ClinVar aggregate classification (germline): Pathogenic (1 of 4 stars; one submission).

Submission:

GeneDx
Classification: Pathogenic. Last evaluated: 2024-01-07. Review status: criteria provided, single submitter. Criteria: GeneDx Variant Classification Process June 2021. Collection method: clinical testing. Allele origin: germline. Affected: yes.
Comment: Identified in an individual with a neurodevelopmental disorder, but segregation and detailed clinical information was not provided (PMID: 33004838); Canonical splice site variant predicted to result in a null allele in a gene for which loss of function is a known mechanism of disease; Not observed at significant frequency in large population cohorts (gnomAD); This variant is associated with the following publications: (PMID: 33004838)

NM_001348323.3(TRIP12):c.3307+2T>C

Gene: TRIP12 (thyroid hormone receptor interactor 12; minus strand). Cytogenetic location: 2q36.3.
Variant type: single nucleotide variant.
Coding change: c.3307+2T>C on transcript NM_001348323.3 (MANE Select); the canonical splice donor site of the intron after coding-DNA position 3307, T replaced by C.
Molecular consequence: splice donor variant.
Genome position (GRCh38, 1-based): chr2:229,799,281, A>G on the plus strand (T>C on the coding strand, the complement: TRIP12 is on the minus strand). VCF-style: chr2-229799281-A-G. GRCh37 (hg19) VCF-style: chr2-230663997-A-G.
Other names: c.2272+2T>C (NM_001284216.2); c.3082+2T>C (NM_004238.3); c.3100+2T>C (NM_001348331.1); c.3181+2T>C (NM_001348317.1, NM_001284215.2, NM_001348316.2 and 1 more transcripts); c.3220+2T>C (NM_001348332.1); c.3226+2T>C (NM_001284214.2, NM_001348315.2); c.3307+2T>C (NM_001348319.1, NM_001348322.1, NM_001348324.2 and 4 more transcripts); c.3229+2T>C (NM_001348333.1); and 1 more.
Identifiers: ClinVar variation 3342307 (VCV003342307.1).